The following is an entry in ClinVar:

ClinVar aggregate classification (germline): Likely benign (1 of 4 stars; one submission).

Conditions:
SIM1-related disorder. Also called: SIM1-related disorders; SIM1-related condition.

gnomAD v4.1: 2 of 1,614,158 alleles (0.00012%); highest among the groups gnomAD compares: Non-Finnish European, 0.00017%; no homozygotes.

Submission:

PreventionGenetics, part of Exact Sciences
Classification: Likely benign for SIM1-related condition. Last evaluated: 2025-09-26. Review status: criteria provided, single submitter. Criteria: ACMG Guidelines, 2015. Collection method: clinical testing. Allele origin: germline.
Comment: This variant is classified as likely benign based on ACMG/AMP sequence variant interpretation guidelines (Richards et al. 2015 PMID: 25741868, with internal and published modifications).

NM_005068.3(SIM1):c.495G>A (p.Lys165=)

Gene: SIM1 (SIM bHLH transcription factor 1; minus strand). Cytogenetic location: 6q16.3.
Variant type: single nucleotide variant.
Coding change: c.495G>A on transcript NM_005068.3 (MANE Select); coding-DNA position 495, G replaced by A.
Protein change: p.Lys165=; no amino-acid change (lysine 165 retained).
Molecular consequence: synonymous variant.
Genome position (GRCh38, 1-based): chr6:100,449,411, C>T on the plus strand (G>A on the coding strand, the complement: SIM1 is on the minus strand). VCF-style: chr6-100449411-C-T. GRCh37 (hg19) VCF-style: chr6-100897287-C-T.
Other names: c.495G>A, p.Lys165= (NM_001374769.1).
Identifiers: ClinVar variation 4991295 (VCV004991295.1).
Genomic context (GRCh38, chr6:100,449,411, plus strand): 5'-CCAGCTACGCACCTTGTAGCCGCCACAGGTGAGGCCGGCGTTACGCTTGGCCAAGACGCA[C>T]TTCATCCTCAGGAAGAAGGAGCGCTCGATCTCATACTCTGGGAGAGAGGAACGAAGGGAA-3'
Protein context (NP_005059.2, residues 155-175): EIERSFFLRM[Lys165=]CVLAKRNAGL